The following is an entry in ClinVar:

NM_000138.5(FBN1):c.7912C>T (p.Gln2638Ter)

Gene: FBN1 (fibrillin 1; minus strand). Cytogenetic location: 15q21.1.
Variant type: single nucleotide variant.
Coding change: c.7912C>T on transcript NM_000138.5 (MANE Select); coding-DNA position 7912, C replaced by T.
Protein change: p.Gln2638Ter; replaces glutamine 2638 with a stop codon.
Molecular consequence: nonsense.
Genome position (GRCh38, 1-based): chr15:48,415,675, G>A on the plus strand (C>T on the coding strand, the complement: FBN1 is on the minus strand). VCF-style: chr15-48415675-G-A. GRCh37 (hg19) VCF-style: chr15-48707872-G-A.
Other names: short protein forms Q2638*.
Identifiers: ClinVar variation 1451276 (VCV001451276.8), dbSNP rs2141214889, ClinGen allele CA392323149.

ClinVar aggregate classification (germline): Pathogenic. Review status: criteria provided, multiple submitters, no conflicts (2 of 4 stars). 2 submissions from 2 submitters: Pathogenic (2). Last evaluated 2025-10-20.

Conditions:
Familial thoracic aortic aneurysm and aortic dissection (TAAD). Also called: Thoracic aortic aneurysms and dissections. Identifiers: Orphanet 91387, MedGen C4707243, MONDO:0019625.
Marfan syndrome (MFS). Also called: MARFAN SYNDROME, TYPE I; Marfan syndrome type 1; Marfan's syndrome; Marfan syndrome, classic; FBN1-Related Marfan Syndrome. Identifiers: Orphanet 284963, Orphanet 558, MedGen C0024796, MONDO:0007947, OMIM 154700.

Submissions (2):

Labcorp Genetics (formerly Invitae), Labcorp
Classification: Pathogenic for Marfan syndrome; Familial thoracic aortic aneurysm and aortic dissection. Last evaluated: 2025-10-20. Review status: criteria provided, single submitter. Criteria: Invitae Variant Classification Sherloc (09022015). Collection method: clinical testing. Allele origin: germline.
Comment: This sequence change creates a premature translational stop signal (p.Gln2638*) in the FBN1 gene. It is expected to result in an absent or disrupted protein product. Loss-of-function variants in FBN1 are known to be pathogenic (PMID: 17657824, 19293843). This variant is not present in population databases (gnomAD no frequency). This variant has not been reported in the literature in individuals affected with FBN1-related conditions. ClinVar contains an entry for this variant (Variation ID: 1451276). For these reasons, this variant has been classified as Pathogenic.

Ambry Genetics
Classification: Pathogenic for Familial thoracic aortic aneurysm and aortic dissection. Last evaluated: 2018-02-26. Review status: criteria provided, single submitter. Criteria: Ambry Variant Classification Scheme 2023. Collection method: clinical testing. Allele origin: germline.
Comment: The p.Q2638* pathogenic mutation (also known as c.7912C>T), located in coding exon 63 of the FBN1 gene, results from a C to T substitution at nucleotide position 7912. This changes the amino acid from a glutamine to a stop codon within coding exon 63. This alteration is expected to result in loss of function by premature protein truncation or nonsense-mediated mRNA decay. As such, this alteration is interpreted as a disease-causing mutation.

Literature cited by the submitters: PubMed 17657824 (cited by Labcorp Genetics (formerly Invitae), Labcorp); PubMed 19293843 (cited by Labcorp Genetics (formerly Invitae), Labcorp).